The following is an entry in ClinVar:

ClinVar aggregate classification (germline): Uncertain significance (1 of 4 stars; one submission).

Submission:

Women's Health and Genetics/Laboratory Corporation of America, LabCorp
Classification: Uncertain significance. Last evaluated: 2025-06-09. Review status: criteria provided, single submitter. Criteria: LabCorp Variant Classification Summary - May 2015. Collection method: clinical testing. Allele origin: germline.
Comment: Variant summary: GCDH c.770_771delinsTT (p.Arg257Leu) results in a non-conservative amino acid change in the encoded protein sequence. Algorithms developed to predict the effect of missense changes on protein structure and function are either unavailable or do not agree on the potential impact of this missense change. The variant was absent in 1613996 control chromosomes. The available data on variant occurrences in the general population are insufficient to allow any conclusion about variant significance. To our knowledge, no occurrence of c.770_771delinsTT in individuals affected with Glutaric Acidemia Type 1 and no experimental evidence demonstrating its impact on protein function have been reported. A different variant affecting the same codon has been classified as likely pathogenic/pathogenic by our lab (c.769C>T, p.Arg257Trp), supporting the critical relevance of codon 257 to GCDH protein function. No submitters have cited clinical-significance assessments for this variant to ClinVar. Based on the evidence outlined above, the variant was classified as uncertain significance.

NM_000159.4(GCDH):c.770_771delinsTT (p.Arg257Leu)

Gene: GCDH (glutaryl-CoA dehydrogenase; plus strand). Cytogenetic location: 19p13.13.
Variant type: Indel.
Coding change: c.770_771delinsTT on transcript NM_000159.4 (MANE Select); coding-DNA positions 770 to 771, GG replaced by TT.
Protein change: p.Arg257Leu; replaces arginine 257 with leucine.
Molecular consequence: missense variant. On other transcripts: non-coding transcript variant (2).
Genome position (GRCh38, 1-based): chr19:12,896,339-12,896,340, GG replaced by TT. VCF-style: chr19-12896339-GG-TT. GRCh37 (hg19) VCF-style: chr19-13007153-GG-TT.
Other names: c.770_771delinsTT, p.Arg257Leu (NM_013976.5); short protein forms R257L.
Identifiers: ClinVar variation 3907293 (VCV003907293.1).